The following is an entry in ClinVar:

ClinVar aggregate classification (germline): Pathogenic/Likely pathogenic. Review status: criteria provided, multiple submitters, no conflicts (2 of 4 stars). 2 submissions from 2 submitters: Pathogenic (1); Likely pathogenic (1). Last evaluated 2023-05-16.

Conditions:
HPS3-related disorders.

Allele frequency attached by ClinVar (database versions not stated): gnomAD 0.00001; gnomAD exomes 0.00001.

Submissions (2):

Labcorp Genetics (formerly Invitae), Labcorp
Classification: Pathogenic. Last evaluated: 2023-05-16. Review status: criteria provided, single submitter. Criteria: Invitae Variant Classification Sherloc (09022015). Collection method: clinical testing. Allele origin: germline.
Comment: For these reasons, this variant has been classified as Pathogenic. ClinVar contains an entry for this variant (Variation ID: 2141063). This variant has not been reported in the literature in individuals affected with HPS3-related conditions. This variant is present in population databases (no rsID available, gnomAD 0.007%). This sequence change creates a premature translational stop signal (p.Pro370Leufs*45) in the HPS3 gene. It is expected to result in an absent or disrupted protein product. Loss-of-function variants in HPS3 are known to be pathogenic (PMID: 11590544).

Blueprint Genetics
Classification: Likely pathogenic for HPS3-related disorders. Last evaluated: 2022-05-18. Review status: criteria provided, single submitter. Criteria: ACMG Guidelines, 2015. Collection method: clinical testing. Allele origin: germline. Affected: yes. Observed: 1 variant allele.

Literature cited by the submitters: PubMed 11590544 (cited by Labcorp Genetics (formerly Invitae), Labcorp).

NM_032383.5(HPS3):c.1107del (p.Pro370fs)

Gene: HPS3 (HPS3 biogenesis of lysosomal organelles complex 2 subunit 1; plus strand). Cytogenetic location: 3q24.
Variant type: Deletion.
Coding change: c.1107del on transcript NM_032383.5 (MANE Select); coding-DNA position 1107, one base deleted (T; older notation c.1107delT).
Protein change: p.Pro370fs; shifts the reading frame from proline 370.
Molecular consequence: frameshift variant.
Genome position (GRCh38, 1-based): chr3:149,145,490, T deleted. VCF-style (leftmost placement, unchanged base first): chr3-149145489-AT-A. GRCh37 (hg19) VCF-style: chr3-148863276-AT-A.
Other names: c.612del, p.Pro205fs (NM_001308258.2); short protein forms P205fs, P370fs.
Identifiers: ClinVar variation 2141063 (VCV002141063.5), dbSNP rs1421926305, ClinGen allele CA546936829.